The following is an entry in ClinVar:

NM_004360.5(CDH1):c.445C>T (p.Leu149Phe)

Gene: CDH1 (cadherin 1; plus strand). Cytogenetic location: 16q22.1.
Variant type: single nucleotide variant.
Coding change: c.445C>T on transcript NM_004360.5 (MANE Select); coding-DNA position 445, C replaced by T.
Protein change: p.Leu149Phe; replaces leucine 149 with phenylalanine.
Molecular consequence: missense variant. On other transcripts: 5 prime UTR variant (2).
Genome position (GRCh38, 1-based): chr16:68,808,481, C>T. VCF-style: chr16-68808481-C-T. GRCh37 (hg19) VCF-style: chr16-68842384-C-T.
Other names: c.445C>T, p.Leu149Phe (NM_001317184.2); c.-1171C>T (NM_001317185.2); c.-1375C>T (NM_001317186.2); short protein forms L149F.
Identifiers: ClinVar variation 4843746 (VCV004843746.1).

ClinVar aggregate classification (germline): Uncertain significance (1 of 4 stars; one submission).

Conditions:
Hereditary cancer-predisposing syndrome. Also called: Neoplastic Syndromes, Hereditary; Tumor predisposition; Hereditary Cancer Syndrome; Hereditary neoplastic syndrome. Identifiers: Orphanet 140162, MedGen C0027672, MeSH D009386, MONDO:0015356.

Submission:

Ambry Genetics
Classification: Uncertain significance for Hereditary cancer-predisposing syndrome. Last evaluated: 2026-01-14. Review status: criteria provided, single submitter. Criteria: Ambry Variant Classification Scheme 2023. Collection method: clinical testing. Allele origin: germline.
Comment: The p.L149F variant (also known as c.445C>T), located in coding exon 4 of the CDH1 gene, results from a C to T substitution at nucleotide position 445. The leucine at codon 149 is replaced by phenylalanine, an amino acid with highly similar properties. This amino acid position is conserved. In addition, the in silico prediction for this alteration is inconclusive. Based on the available evidence, the clinical significance of this variant remains unclear.